The following is an entry in ClinVar:

NM_020376.4(PNPLA2):c.187+1G>C

Genes: PNPLA2 (patatin like domain 2, triacylglycerol lipase; plus strand), LOC130005097 (ATAC-STARR-seq lymphoblastoid silent region 3036; plus strand). Cytogenetic location: 11p15.5.
Variant type: single nucleotide variant.
Coding change: c.187+1G>C on transcript NM_020376.4 (MANE Select); the canonical splice donor site of the intron after coding-DNA position 187, G replaced by C.
Molecular consequence: splice donor variant.
Genome position (GRCh38, 1-based): chr11:819,906, G>C. VCF-style: chr11-819906-G-C. GRCh37 (hg19) VCF-style: chr11-819906-G-C.
Identifiers: ClinVar variation 520846 (VCV000520846.8), dbSNP rs1554975332, ClinGen allele CA378977291.

ClinVar aggregate classification (germline): Pathogenic/Likely pathogenic. Review status: criteria provided, multiple submitters, no conflicts (2 of 4 stars). 3 submissions from 3 submitters: Pathogenic (2); Likely pathogenic (1). Last evaluated 2024-11-02.

Conditions:
Neutral lipid storage myopathy (NLSDM). Also called: NEUTRAL LIPID STORAGE DISEASE WITHOUT ICHTHYOSIS. Identifiers: Orphanet 98908, MedGen C1853136, MONDO:0012545, OMIM 610717.
Inborn genetic diseases. Identifiers: MedGen C0950123, MeSH D030342.

Allele frequency attached by ClinVar (database versions not stated): TOPMed 0.00001.
gnomAD v4.1: 2 of 1,373,872 alleles (0.00015%); highest among the groups gnomAD compares: Non-Finnish European, 0.00019%; no homozygotes.

Submissions (3):

Labcorp Genetics (formerly Invitae), Labcorp
Classification: Pathogenic for Neutral lipid storage myopathy. Last evaluated: 2024-11-02. Review status: criteria provided, single submitter. Criteria: Invitae Variant Classification Sherloc (09022015). Collection method: clinical testing. Allele origin: germline.
Comment: This sequence change affects a donor splice site in intron 2 of the PNPLA2 gene. It is expected to disrupt RNA splicing. Variants that disrupt the donor or acceptor splice site typically lead to a loss of protein function (PMID: 16199547), and loss-of-function variants in PNPLA2 are known to be pathogenic (PMID: 17187067). This variant is not present in population databases (gnomAD no frequency). Disruption of this splice site has been observed in individuals with neutral lipid storage disease with myopathy and/or neutral lipid storage disease without myopathy (PMID: 21073837, 33569515). ClinVar contains an entry for this variant (Variation ID: 520846). Algorithms developed to predict the effect of sequence changes on RNA splicing suggest that this variant may disrupt the consensus splice site. For these reasons, this variant has been classified as Pathogenic.

Revvity Omics, Revvity
Classification: Pathogenic for Neutral lipid storage myopathy. Last evaluated: 2023-09-25. Review status: criteria provided, single submitter. Criteria: ACMG Guidelines, 2015. Collection method: clinical testing. Allele origin: germline.

Ambry Genetics
Classification: Likely pathogenic for Inborn genetic diseases. Last evaluated: 2015-12-22. Review status: criteria provided, single submitter. Criteria: Ambry exome assertion method (8-5-2015). Collection method: clinical testing. Allele origin: germline. Affected: yes. Observed: 1 variant allele.

Literature cited by the submitters: PubMed 16199547 (cited by Labcorp Genetics (formerly Invitae), Labcorp); PubMed 17187067 (cited by Labcorp Genetics (formerly Invitae), Labcorp); PubMed 21073837 (cited by Labcorp Genetics (formerly Invitae), Labcorp and Ambry Genetics); PubMed 33569515 (cited by Labcorp Genetics (formerly Invitae), Labcorp); PubMed 25363365 (cited by Ambry Genetics).